The following is an entry in ClinVar:

ClinVar aggregate classification (germline): Pathogenic (1 of 4 stars; one submission).

Submission:

Labcorp Genetics (formerly Invitae), Labcorp
Classification: Pathogenic. Last evaluated: 2023-09-12. Review status: criteria provided, single submitter. Criteria: Invitae Variant Classification Sherloc (09022015). Collection method: clinical testing. Allele origin: germline.
Comment: This variant has not been reported in the literature in individuals affected with LRP2-related conditions. Algorithms developed to predict the effect of sequence changes on RNA splicing suggest that this variant may disrupt the consensus splice site. For these reasons, this variant has been classified as Pathogenic. This variant is not present in population databases (gnomAD no frequency). This sequence change creates a premature translational stop signal (p.Glu787*) in the LRP2 gene. It is expected to result in an absent or disrupted protein product. Loss-of-function variants in LRP2 are known to be pathogenic (PMID: 17632512, 25682901).

Literature cited by the submitters: PubMed 17632512; PubMed 25682901.

NM_004525.3(LRP2):c.2359G>T (p.Glu787Ter)

Gene: LRP2 (LDL receptor related protein 2; minus strand). Cytogenetic location: 2q31.1.
Variant type: single nucleotide variant.
Coding change: c.2359G>T on transcript NM_004525.3 (MANE Select); coding-DNA position 2359, G replaced by T.
Protein change: p.Glu787Ter; replaces glutamic acid 787 with a stop codon.
Molecular consequence: nonsense.
Genome position (GRCh38, 1-based): chr2:169,259,179, C>A on the plus strand (G>T on the coding strand, the complement: LRP2 is on the minus strand). VCF-style: chr2-169259179-C-A. GRCh37 (hg19) VCF-style: chr2-170115689-C-A.
Other names: short protein forms E787*.
Identifiers: ClinVar variation 2760301 (VCV002760301.3), dbSNP rs2528435379, ClinGen allele CA349158613.